The following is an entry in ClinVar:

ClinVar aggregate classification (germline): Uncertain significance (1 of 4 stars; one submission).

Conditions:
Baller-Gerold syndrome (BGS). Also called: CRANIOSYNOSTOSIS WITH RADIAL DEFECTS. Identifiers: Orphanet 1225, MedGen C0265308, MONDO:0009039, OMIM 218600.

gnomAD v4.1: 1 of 1,613,074 alleles (0.000062%); highest among the groups gnomAD compares: Non-Finnish European, 0.000085%; no homozygotes.

Submission:

Labcorp Genetics (formerly Invitae), Labcorp
Classification: Uncertain significance for Baller-Gerold syndrome. Last evaluated: 2025-07-16. Review status: criteria provided, single submitter. Criteria: Invitae Variant Classification Sherloc (09022015). Collection method: clinical testing. Allele origin: germline.
Comment: This sequence change replaces lysine, which is basic and polar, with asparagine, which is neutral and polar, at codon 332 of the RECQL4 protein (p.Lys332Asn). This variant is not present in population databases (gnomAD no frequency). This variant has not been reported in the literature in individuals affected with RECQL4-related conditions. Invitae Evidence Modeling of protein sequence and biophysical properties (such as structural, functional, and spatial information, amino acid conservation, physicochemical variation, residue mobility, and thermodynamic stability) indicates that this missense variant is not expected to disrupt RECQL4 protein function with a negative predictive value of 80%. In summary, the available evidence is currently insufficient to determine the role of this variant in disease. Therefore, it has been classified as a Variant of Uncertain Significance.

NM_004260.4(RECQL4):c.996G>C (p.Lys332Asn)

Gene: RECQL4 (RecQ like helicase 4; minus strand). Cytogenetic location: 8q24.3.
Variant type: single nucleotide variant.
Coding change: c.996G>C on transcript NM_004260.4 (MANE Select); coding-DNA position 996, G replaced by C.
Protein change: p.Lys332Asn; replaces lysine 332 with asparagine.
Molecular consequence: missense variant. On other transcripts: 5 prime UTR variant (16), non-coding transcript variant (3), intron variant (3).
Genome position (GRCh38, 1-based): chr8:144,516,123, C>G on the plus strand (G>C on the coding strand, the complement: RECQL4 is on the minus strand). VCF-style: chr8-144516123-C-G. GRCh37 (hg19) VCF-style: chr8-145741507-C-G.
Other names: c.996G>C, p.Lys332Asn (NM_001413018.1, NM_001413019.1, NM_001413033.1 and 2 more transcripts); c.-76G>C (NM_001413021.1, NM_001413022.1, NM_001413023.1 and 7 more transcripts); c.867G>C, p.Lys289Asn (NM_001413025.1); c.-138G>C (NM_001413027.1, NM_001413030.1, NM_001413031.1 and 2 more transcripts); c.645G>C, p.Lys215Asn (NM_001413029.1); c.-345G>C (NM_001413043.1); c.953+43G>C (NM_001413017.1, NM_001413020.1); c.-23+43G>C (NM_001413034.1); short protein forms K289N, K215N, K332N.
Identifiers: ClinVar variation 4753862 (VCV004753862.1).